The following is an entry in ClinVar:

NM_020320.5(RARS2):c.535+60T>C

Gene: RARS2 (arginyl-tRNA synthetase 2, mitochondrial; minus strand). Cytogenetic location: 6q15.
Variant type: single nucleotide variant.
Coding change: c.535+60T>C on transcript NM_020320.5 (MANE Select); 60 bases into the intron after coding-DNA position 535, T replaced by C.
Molecular consequence: intron variant.
Genome position (GRCh38, 1-based): chr6:87,545,556, A>G on the plus strand (T>C on the coding strand, the complement: RARS2 is on the minus strand). VCF-style: chr6-87545556-A-G. GRCh37 (hg19) VCF-style: chr6-88255274-A-G.
Other names: c.535+60T>C (NM_001350505.2); c.10+60T>C (NM_001350509.2, NM_001318785.2, NM_001350506.2 and 4 more transcripts).
Identifiers: ClinVar variation 673727 (VCV000673727.5), dbSNP rs35056836, ClinGen allele CA142862946.

ClinVar aggregate classification (germline): Likely benign. Review status: criteria provided, multiple submitters, no conflicts (2 of 4 stars). 3 submissions from 3 submitters: Likely benign (3). Last evaluated 2021-07-10.

Conditions:
Pontocerebellar hypoplasia type 6 (PCH6). Identifiers: Orphanet 166073, MedGen C1969084, MONDO:0012683, OMIM 611523.

Allele frequency attached by ClinVar (database versions not stated): 1000 Genomes Project 0.02177; 1000 Genomes Project 30x 0.02405; gnomAD 0.03119 and 0.03193; TOPMed 0.03324; gnomAD exomes 0.04172.
gnomAD v4.1: 65,566 of 1,609,162 alleles (4.1%); highest among the groups gnomAD compares: Non-Finnish European, 4.7%; 1,578 homozygotes.

Submissions (3):

Genome-Nilou Lab
Classification: Likely benign for Pontocerebellar hypoplasia type 6. Last evaluated: 2021-07-10. Review status: criteria provided, single submitter. Criteria: ACMG Guidelines, 2015. Collection method: clinical testing. Allele origin: germline. Affected: no.

GeneDx
Classification: Likely benign. Last evaluated: 2018-06-18. Review status: criteria provided, single submitter. Criteria: GeneDx Variant Classification (06012015). Collection method: clinical testing. Allele origin: germline. Affected: yes.
Comment: This variant is considered likely benign or benign based on one or more of the following criteria: it is a conservative change, it occurs at a poorly conserved position in the protein, it is predicted to be benign by multiple in silico algorithms, and/or has population frequency not consistent with disease.

Breakthrough Genomics
Classification: Likely benign. Review status: criteria provided, single submitter. Criteria: ACMG Guidelines, 2015. Collection method: not provided. Allele origin: germline. Inheritance: Autosomal recessive inheritance. Affected: yes.